The following is an entry in ClinVar:

ClinVar aggregate classification (germline): Uncertain significance (1 of 4 stars; one submission).

Allele frequency attached by ClinVar (database versions not stated): gnomAD 0.00001.
gnomAD v4.1: 1 of 1,614,140 alleles (0.000062%); highest among the groups gnomAD compares: African/African-American, 0.0013%; no homozygotes.

Submission:

Ambry Genetics
Classification: Uncertain significance. Last evaluated: 2024-11-11. Review status: criteria provided, single submitter. Criteria: Ambry Variant Classification Scheme 2023. Collection method: clinical testing. Allele origin: germline.
Comment: The p.S1516C variant (also known as c.4546A>T), located in coding exon 4 of the ALPK2 gene, results from an A to T substitution at nucleotide position 4546. The serine at codon 1516 is replaced by cysteine, an amino acid with dissimilar properties. This amino acid position is conserved. In addition, this alteration is predicted to be tolerated by in silico analysis. Since supporting evidence is limited at this time, the clinical significance of this alteration remains unclear.

NM_052947.4(ALPK2):c.4546A>T (p.Ser1516Cys)

Genes: ALPK2 (alpha kinase 2; minus strand), LOC126862764 (BRD4-independent group 4 enhancer GRCh37_chr18:56202574-56203773; plus strand). Cytogenetic location: 18q21.31.
Variant type: single nucleotide variant.
Coding change: c.4546A>T on transcript NM_052947.4 (MANE Select); coding-DNA position 4546, A replaced by T.
Protein change: p.Ser1516Cys; replaces serine 1516 with cysteine.
Molecular consequence: missense variant.
Genome position (GRCh38, 1-based): chr18:58,535,641, T>A on the plus strand (A>T on the coding strand, the complement: ALPK2 is on the minus strand). VCF-style: chr18-58535641-T-A. GRCh37 (hg19) VCF-style: chr18-56202873-T-A.
Other names: short protein forms S1516C.
Identifiers: ClinVar variation 1741387 (VCV001741387.3), dbSNP rs2051641005, ClinGen allele CA402561527.